The following is an entry in ClinVar:

ClinVar aggregate classification (germline): Pathogenic/Likely pathogenic. Review status: criteria provided, multiple submitters, no conflicts (2 of 4 stars). 7 submissions from 6 submitters: Pathogenic (1); Likely pathogenic (4). 2 of the submissions do not count toward it. Last evaluated 2026-06-25.

Conditions:
Melanoma, uveal, susceptibility to, 1 (UVM1). Identifiers: Orphanet 39044, MedGen C1847724, MONDO:0011695, OMIM 606660. Disease mechanism: loss of function.
Tumor predisposition syndrome 2 (TPDS2). Also called: MBD4-associated neoplasia syndrome (MANS); MBD4-ASSOCIATED NEOPLASIA SYNDROME; MBD4-Related Tumor Predisposition Syndrome. Identifiers: Orphanet 661526, MedGen C5774186, MONDO:0859267, OMIM 619975.
Inborn genetic diseases. Identifiers: MedGen C0950123, MeSH D030342.
MBD4-related disorder. Also called: MBD4-related condition.

Allele frequency attached by ClinVar (database versions not stated): TOPMed 0.00003; gnomAD 0.00004; ExAC 0.00006; ESP Exome Variant Server 0.00023.
gnomAD v4.1: 87 of 1,612,848 alleles (0.0054%); highest among the groups gnomAD compares: Non-Finnish European, 0.0068%; no homozygotes.

Submissions (7):

PreventionGenetics, part of Exact Sciences
Classification: Likely pathogenic for MBD4-related condition. Last evaluated: 2026-06-25. Review status: criteria provided, single submitter. Criteria: ACMG Guidelines, 2015. Collection method: clinical testing. Allele origin: germline.
Comment: The MBD4 c.1688T>A variant is predicted to result in premature protein termination (p.Leu563*). This variant is located in the terminal exon of MBD4 and although it is not expected to result in nonsense mediated decay, it is predicted to disrupt the last 18 amino acids of the protein. This variant has been reported in the heterozygous state in individuals with uveal and cutaneous melanoma (Johansson et al. 2019. PubMed ID: 30714079; Johansson et al. 2023. PubMed ID: 36863448), and a compound heterozygous state with a second causative MBD4 variant in an individual with MBD4-associated neoplasia syndrome (MANS) (Palles et al. 2022. PubMed ID: 35460607). This variant is reported in 0.0070% of alleles in individuals of European (non-Finnish) descent in gnomAD and is interpreted as pathogenic/likely pathogenic in ClinVar (Variation ID: 1700254). This variant is interpreted as likely pathogenic.

Labcorp Genetics (formerly Invitae), Labcorp
Classification: Likely pathogenic. Last evaluated: 2026-01-06. Review status: criteria provided, single submitter. Criteria: Invitae Variant Classification Sherloc (09022015). Collection method: clinical testing. Allele origin: germline.
Comment: This sequence change creates a premature translational stop signal (p.Leu563*) in the MBD4 gene. While this is not anticipated to result in nonsense mediated decay, it is expected to disrupt the last 18 amino acid(s) of the MBD4 protein. This variant is present in population databases (rs200758755, gnomAD 0.008%). This premature translational stop signal has been observed in individual(s) with clinical features of MBD4-associated neoplasia syndrome (PMID: 30049810, 30714079, 32239153, 35460607, 36863448; internal data). In at least one individual the data is consistent with being in trans (on the opposite chromosome) from a pathogenic variant. This variant is also known as p.L557*. ClinVar contains an entry for this variant (Variation ID: 1700254). Experimental studies and prediction algorithms are not available or were not evaluated, and the functional significance of this variant is currently unknown. In summary, the currently available evidence indicates that the variant is pathogenic, but additional data are needed to prove that conclusively. Therefore, this variant has been classified as Likely Pathogenic.

Ambry Genetics
Classification: Likely pathogenic for Inborn genetic diseases. Last evaluated: 2025-08-15. Review status: criteria provided, single submitter. Criteria: Ambry Variant Classification Scheme 2023. Collection method: clinical testing. Allele origin: germline.
Comment: The p.L557* variant (also known as c.1670T>A), located in coding exon 8 of the MBD4 gene, results from a T to A substitution at nucleotide position 1670. This changes the amino acid from a leucine to a stop codon within coding exon 8. This alteration occurs at the 3' terminus of the MBD4 gene, is not expected to trigger nonsense-mediated mRNA decay, and impacts the last 18 AA of the protein. However, premature stop codons are typically deleterious in nature and the impacted region is critical for protein function (Ambry internal data). This variant has been identified in conjunction with other MBD4 variant(s) in individuals with features consistent with MBD4-associated neoplasia syndrome; in at least one instance, the variants were identified in trans (Palles C et al. Am J Hum Genet, 2022 May;109:953-960 and external communication). Based on the majority of available evidence to date, this variant is likely to be pathogenic.

Institute for Genomic Medicine (IGM) Clinical Laboratory, Nationwide Children's Hospital
Classification: Likely pathogenic for Tumor predisposition syndrome 2. Last evaluated: 2025-03-03. Review status: criteria provided, single submitter. Criteria: ACMG Guidelines, 2015. Collection method: clinical testing. Allele origin: germline.
Comment: This variant is predicted to result in loss of function through nonsense-mediated decay of the encoded transcript or premature truncation of the encoded protein in a gene in which loss of function is a known mechanism of disease (ACMG/AMP: PVS1_Moderate; PMIDs:32239153, 35460607). This variant has been reported at an elevated frequency in affected individuals/in multiple affected individuals in the literature (ACMG/AMP: PS4_Moderate; PMIDs:32239153, 35460607). This variant is absent from or present at an exceedingly low frequency in gnomAD, a large-scale control population database (ACMG/AMP: PM2).

Victorian Clinical Genetics Services, Murdoch Childrens Research Institute
Classification: Pathogenic for Tumor predisposition syndrome 2. Last evaluated: 2023-07-17. Review status: criteria provided, single submitter. Criteria: ACMG Guidelines, 2015. Collection method: clinical testing. Allele origin: germline. Inheritance: Autosomal recessive inheritance. Affected: yes.
Comment: Based on the classification scheme VCGS_Germline_v1.3.4, this variant is classified as Pathogenic. Following criteria are met: 0102 - Loss of function is a known mechanism of disease in this gene and is associated with tumour predisposition syndrome 2 (MIM#619975). (I) 0106 - This gene is associated with autosomal recessive disease. (I) 0205 - Variant is predicted to result in a truncated protein (premature termination codon is NOT located at least 54 nucleotides upstream of the final exon-exon junction) with less than 1/3 of the protein sequence affected. (SP) 0251 - This variant is heterozygous. (I) 0304 - Variant is present in gnomAD <0.01 for a recessive condition (v2 - 8 heterozygotes, 0 homozygotes). (SP) 0601 - Variant is located in the well-established glycosylase domain (PMID: 30049810; PMID: PMID: 32239153). (I) 0704 - Another variant comparable to the one identified in this case has limited previous evidence for pathogenicity. This variant is predicted to result in an in-frame deletion in the glycosylase domain and glycosylase assays demonstrated that it led to catalytically inactive MBD4. PMID 32239153 identified a germline heterozygous MBD4 c.1706G>A; p.(Trp569*) variant in two unrelated patients with uveal melanoma. Testing on tumour tissue was undertaken in one of these patients and demonstrated somatic loss of the wild-type allele due to monosomy 3. In vitro glycosylase assay confirmed that this variant resulted in catalytically inactive protein. (SP) 0803 - This variant has moderate previous evidence of pathogenicity in at least three unrelated individuals. PMID 30714079 identified this variant as heterozygous in the germline of an individual with uveal melanoma, with hemizygosity for this variant confirmed in the tumour in association with high tumour mutational burden. (SP) 0905 - No published segregation evidence has been identified for this variant. (I) 1007 - No published functional evidence has been identified for this variant. (I) 1101 - Very strong and specific phenotype match for this individual. (SP) 1208 - Inheritance information for this variant is not currently available in this individual. (I) Legend: (SP) - Supporting pathogenic, (I) - Information, (SB) - Supporting benign

OMIM
Classification: Pathogenic for TUMOR PREDISPOSITION SYNDROME 2. Last evaluated: 2022-08-08. Review status: no assertion criteria provided. Collection method: literature only. Allele origin: unknown. Not counted in ClinVar's aggregate classification.

OMIM
Classification: risk factor for MELANOMA, UVEAL, SUSCEPTIBILITY TO, 1. Last evaluated: 2022-08-08. Review status: no assertion criteria provided. Collection method: literature only. Allele origin: unknown. Not counted in ClinVar's aggregate classification.

Literature cited by the submitters: PubMed 30049810 (cited by Labcorp Genetics (formerly Invitae), Labcorp and Victorian Clinical Genetics Services, Murdoch Childrens Research Institute); PubMed 30714079 (cited by 3 submitters); PubMed 32239153 (cited by 3 submitters); PubMed 35460607 (cited by 5 submitters); PubMed 36863448 (cited by Labcorp Genetics (formerly Invitae), Labcorp).

NM_001276270.2(MBD4):c.1670T>A (p.Leu557Ter)

Gene: MBD4 (methyl-CpG binding domain 4, DNA glycosylase; minus strand). Cytogenetic location: 3q21.3.
Variant type: single nucleotide variant.
Coding change: c.1670T>A on transcript NM_001276270.2 (MANE Select); coding-DNA position 1670, T replaced by A.
Protein change: p.Leu557Ter; replaces leucine 557 with a stop codon.
Molecular consequence: nonsense. On other transcripts: 3 prime UTR variant (1).
Genome position (GRCh38, 1-based): chr3:129,431,556, A>T on the plus strand (T>A on the coding strand, the complement: MBD4 is on the minus strand). VCF-style: chr3-129431556-A-T. GRCh37 (hg19) VCF-style: chr3-129150399-A-T.
Other names: c.1688T>A (NM_003925.2); c.*12T>A (NM_001276272.2); c.734T>A, p.Leu245Ter (NM_001276273.2); c.1688T>A, p.Leu563Ter (NM_003925.3); short protein forms L563*, L245*, L557*.
Identifiers: ClinVar variation 1700254 (VCV001700254.10), dbSNP rs200758755, ClinGen allele CA2605215.
Genomic context (GRCh38, chr3:129,431,556, plus strand): 5'-AGAGTTTAAGATAGACTTAATTTTTCATGATTTTCCCAAAGCCAGTCATGATATTTATTT[A>T]ATTTGTGGTCTTCAGGGTGCACCTGGAAGAAACATAAGATACAGAGGCAGAGACCTTAAT-3'